The following is an entry in ClinVar:

ClinVar aggregate classification (germline): Uncertain significance. Review status: criteria provided, multiple submitters, no conflicts (2 of 4 stars). 2 submissions from 2 submitters: Uncertain significance (2). Last evaluated 2022-08-09.

Conditions:
Inborn genetic diseases. Identifiers: MedGen C0950123, MeSH D030342.

Allele frequency attached by ClinVar (database versions not stated): ExAC 0.00002; TOPMed 0.00005.
gnomAD v4.1: 16 of 1,504,592 alleles (0.0011%); highest among the groups gnomAD compares: Admixed American, 0.027%; no homozygotes.

Submissions (2):

Labcorp Genetics (formerly Invitae), Labcorp
Classification: Uncertain significance. Last evaluated: 2022-08-09. Review status: criteria provided, single submitter. Criteria: Invitae Variant Classification Sherloc (09022015). Collection method: clinical testing. Allele origin: germline.
Comment: This sequence change replaces aspartic acid, which is acidic and polar, with glycine, which is neutral and non-polar, at codon 136 of the ERCC8 protein (p.Asp136Gly). This variant is present in population databases (rs767533851, gnomAD 0.04%). This variant has not been reported in the literature in individuals affected with ERCC8-related conditions. Algorithms developed to predict the effect of missense changes on protein structure and function are either unavailable or do not agree on the potential impact of this missense change (SIFT: "Deleterious"; PolyPhen-2: "Benign"; Align-GVGD: "Class C0"). Algorithms developed to predict the effect of sequence changes on RNA splicing suggest that this variant may create or strengthen a splice site. In summary, the available evidence is currently insufficient to determine the role of this variant in disease. Therefore, it has been classified as a Variant of Uncertain Significance.

Ambry Genetics
Classification: Uncertain significance for Inborn genetic diseases. Last evaluated: 2021-02-11. Review status: criteria provided, single submitter. Criteria: Ambry Variant Classification Scheme 2023. Collection method: clinical testing. Allele origin: germline.
Comment: The c.407A>G (p.D136G) alteration is located in exon 5 (coding exon 5) of the ERCC8 gene. This alteration results from a A to G substitution at nucleotide position 407, causing the aspartic acid (D) at amino acid position 136 to be replaced by a glycine (G). Based on data from the Genome Aggregation Database (gnomAD) database, the ERCC8 c.407A>G alteration was observed in 0.01% (13/250820) of total alleles studied. This amino acid position is highly conserved in available vertebrate species. The p.D136G alteration is predicted to be tolerated by in silico analysis. Based on insufficient or conflicting evidence, the clinical significance of this alteration remains unclear.

NM_000082.4(ERCC8):c.407A>G (p.Asp136Gly)

Gene: ERCC8 (ERCC excision repair 8, CSA ubiquitin ligase complex subunit; minus strand). Cytogenetic location: 5q12.1.
Variant type: single nucleotide variant.
Coding change: c.407A>G on transcript NM_000082.4 (MANE Select); coding-DNA position 407, A replaced by G.
Protein change: p.Asp136Gly; replaces aspartic acid 136 with glycine.
Molecular consequence: missense variant. On other transcripts: intron variant (1).
Genome position (GRCh38, 1-based): chr5:60,904,866, T>C on the plus strand (A>G on the coding strand, the complement: ERCC8 is on the minus strand). VCF-style: chr5-60904866-T-C. GRCh37 (hg19) VCF-style: chr5-60200693-T-C.
Other names: c.233A>G, p.Asp78Gly (NM_001007233.3); c.407A>G, p.Asp136Gly (NM_001007234.3); c.23-1150A>G (NM_001290285.2); short protein forms D136G, D78G.
Identifiers: ClinVar variation 2164281 (VCV002164281.2), dbSNP rs767533851, ClinGen allele CA3277854.